The following is an entry in ClinVar:

ClinVar aggregate classification (germline): Likely benign (1 of 4 stars; one submission).

gnomAD v4.1: 1 of 1,352,918 alleles (0.000074%); highest among the groups gnomAD compares: Non-Finnish European, 0.000096%; no homozygotes.

Submission:

CeGaT Center for Human Genetics Tuebingen
Classification: Likely benign. Last evaluated: 2026-06-01. Review status: criteria provided, single submitter. Criteria: CeGaT Center For Human Genetics Tuebingen Variant Classification Criteria Version 2. Collection method: clinical testing. Allele origin: germline. Affected: yes. Observed: 1 variant allele.
Comment: P2RX2: BP4, BP7

NM_170682.4(P2RX2):c.90G>A (p.Thr30=)

Gene: P2RX2 (purinergic receptor P2X 2; plus strand). Cytogenetic location: 12q24.33.
Variant type: single nucleotide variant.
Coding change: c.90G>A on transcript NM_170682.4 (MANE Select); coding-DNA position 90, G replaced by A.
Protein change: p.Thr30=; no amino-acid change (threonine 30 retained).
Molecular consequence: synonymous variant.
Genome position (GRCh38, 1-based): chr12:132,618,906, G>A. VCF-style: chr12-132618906-G-A. GRCh37 (hg19) VCF-style: chr12-133195492-G-A.
Other names: c.90G>A, p.Thr30= (NM_016318.4, NM_170683.4, NM_174872.3 and 4 more transcripts).
Identifiers: ClinVar variation 4872785 (VCV004872785.2).